The following is an entry in ClinVar:

ClinVar aggregate classification (germline): Uncertain significance (1 of 4 stars; one submission).

Allele frequency attached by ClinVar (database versions not stated): gnomAD 0.00002; gnomAD exomes 0.00002; TOPMed 0.00002; ExAC 0.00004.
gnomAD v4.1: 37 of 1,613,606 alleles (0.0023%); highest among the groups gnomAD compares: Middle Eastern, 0.017%; no homozygotes.

Submission:

Labcorp Genetics (formerly Invitae), Labcorp
Classification: Uncertain significance. Last evaluated: 2022-04-12. Review status: criteria provided, single submitter. Criteria: Invitae Variant Classification Sherloc (09022015). Collection method: clinical testing. Allele origin: germline.
Comment: This sequence change replaces arginine, which is basic and polar, with cysteine, which is neutral and slightly polar, at codon 389 of the POLH protein (p.Arg389Cys). This variant is present in population databases (rs780255723, gnomAD 0.01%). This variant has not been reported in the literature in individuals affected with POLH-related conditions. Algorithms developed to predict the effect of missense changes on protein structure and function output the following: SIFT: "Deleterious"; PolyPhen-2: "Benign"; Align-GVGD: "Class C15". The cysteine amino acid residue is found in multiple mammalian species, which suggests that this missense change does not adversely affect protein function. In summary, the available evidence is currently insufficient to determine the role of this variant in disease. Therefore, it has been classified as a Variant of Uncertain Significance.

NM_006502.3(POLH):c.1165C>T (p.Arg389Cys)

Gene: POLH (DNA polymerase eta; plus strand). Cytogenetic location: 6p21.1.
Variant type: single nucleotide variant.
Coding change: c.1165C>T on transcript NM_006502.3 (MANE Select); coding-DNA position 1165, C replaced by T.
Protein change: p.Arg389Cys; replaces arginine 389 with cysteine.
Molecular consequence: missense variant.
Genome position (GRCh38, 1-based): chr6:43,610,644, C>T. VCF-style: chr6-43610644-C-T. GRCh37 (hg19) VCF-style: chr6-43578381-C-T.
Other names: c.793C>T, p.Arg265Cys (NM_001291969.2); c.1165C>T, p.Arg389Cys (NM_001291970.2); short protein forms R265C, R389C.
Identifiers: ClinVar variation 1978878 (VCV001978878.1), dbSNP rs780255723, ClinGen allele CA3827196.